The following is an entry in ClinVar:

ClinVar aggregate classification (germline): Uncertain significance. Review status: criteria provided, multiple submitters, no conflicts (2 of 4 stars). 4 submissions from 3 submitters: Uncertain significance (4). Last evaluated 2025-07-29.

Conditions:
Ovarian hyperstimulation syndrome (OHSS). Also called: OVARIAN HYPERSTIMULATION SYNDROME, FAMILIAL GESTATIONAL SPONTANEOUS. Identifiers: Orphanet 64739, MedGen C0085083, MONDO:0011972, OMIM 608115.
Ovarian dysgenesis 1 (ODG1). Also called: GONADAL DYSGENESIS, XX TYPE; OVARIAN DYSGENESIS, HYPERGONADOTROPIC, AUTOSOMAL RECESSIVE; OVARIAN DYSGENESIS, HYPERGONADOTROPIC, WITH NORMAL KARYOTYPE; OVARIAN FAILURE, HYPERGONADOTROPIC; Gonadal dysgenesis XX type deafness. Identifiers: Orphanet 243, MedGen C0949595, MONDO:0024463, OMIM 233300.
Inborn genetic diseases. Identifiers: MedGen C0950123, MeSH D030342.

Allele frequency attached by ClinVar (database versions not stated): ExAC 0.00001; gnomAD exomes 0.00001; TOPMed 0.00001; gnomAD 0.00002; ESP Exome Variant Server 0.00008.
gnomAD v4.1: 8 of 1,614,030 alleles (0.0005%); highest among the groups gnomAD compares: African/African-American, 0.0053%; no homozygotes.

Submissions (4):

Institute of Immunology and Genetics Kaiserslautern
Classification: Uncertain significance for Ovarian hyperstimulation syndrome; Ovarian dysgenesis 1. Last evaluated: 2025-07-29. Review status: criteria provided, single submitter. Criteria: ACMG Guidelines, 2015. Collection method: clinical testing. Allele origin: germline. Affected: yes.
Comment: ACMG Criteria: PM2_P, BP4; Variant was found in heterozygous state.

Ambry Genetics
Classification: Uncertain significance for Inborn genetic diseases. Last evaluated: 2023-06-02. Review status: criteria provided, single submitter. Criteria: Ambry Variant Classification Scheme 2023. Collection method: clinical testing. Allele origin: germline.

Illumina Laboratory Services, Illumina
Classification: Uncertain significance for Ovarian hyperstimulation syndrome. Last evaluated: 2017-04-28. Review status: criteria provided, single submitter. Criteria: ICSL Variant Classification Criteria 13 December 2019. Collection method: clinical testing. Allele origin: germline.

Illumina Laboratory Services, Illumina
Classification: Uncertain significance for Ovarian dysgenesis 1. Last evaluated: 2017-04-28. Review status: criteria provided, single submitter. Criteria: ICSL Variant Classification Criteria 13 December 2019. Collection method: clinical testing. Allele origin: germline.

NM_000145.4(FSHR):c.1145T>C (p.Ile382Thr)

Gene: FSHR (follicle stimulating hormone receptor; minus strand). Cytogenetic location: 2p16.3.
Variant type: single nucleotide variant.
Coding change: c.1145T>C on transcript NM_000145.4 (MANE Select); coding-DNA position 1145, T replaced by C.
Protein change: p.Ile382Thr; replaces isoleucine 382 with threonine.
Molecular consequence: missense variant.
Genome position (GRCh38, 1-based): chr2:48,963,676, A>G on the plus strand (T>C on the coding strand, the complement: FSHR is on the minus strand). VCF-style: chr2-48963676-A-G. GRCh37 (hg19) VCF-style: chr2-49190815-A-G.
Other names: c.1067T>C, p.Ile356Thr (NM_181446.3); short protein forms I356T, I382T.
Identifiers: ClinVar variation 898830 (VCV000898830.7), dbSNP rs377596075, ClinGen allele CA1653709.